The following is an entry in ClinVar:

ClinVar aggregate classification (germline): Uncertain significance (1 of 4 stars; one submission).

gnomAD v4.1: 1 of 1,613,792 alleles (0.000062%); highest among the groups gnomAD compares: Non-Finnish European, 0.000085%; no homozygotes.

Submission:

GeneDx
Classification: Uncertain significance. Last evaluated: 2019-02-14. Review status: criteria provided, single submitter. Criteria: GeneDx Variant Classification Process June 2021. Collection method: clinical testing. Allele origin: germline. Affected: yes.
Comment: Has not been previously reported as pathogenic or benign to our knowledge; Not observed in large population cohorts (Lek et al., 2016); In silico analysis, which includes splice predictors and evolutionary conservation, predict significant reduced efficiency or complete loss of the natural splice acceptor site of intron 1

NM_000218.3(KCNQ1):c.387-3C>G

Gene: KCNQ1 (potassium voltage-gated channel subfamily Q member 1; plus strand). Cytogenetic location: 11p15.5.
Variant type: single nucleotide variant.
Coding change: c.387-3C>G on transcript NM_000218.3 (MANE Select); 3 bases into the intron before coding-DNA position 387, C replaced by G.
Molecular consequence: intron variant.
Genome position (GRCh38, 1-based): chr11:2,527,925, C>G. VCF-style: chr11-2527925-C-G. GRCh37 (hg19) VCF-style: chr11-2549155-C-G.
Other names: c.387-3C>G (NM_001406838.1, NM_001406836.1); c.6-3C>G (NM_181798.2); c.117-3C>G (NM_001406837.1).
Identifiers: ClinVar variation 1191949 (VCV001191949.4), dbSNP rs1460161223, ClinGen allele CA2499220862.
Genomic context (GRCh38, chr11:2,527,925, plus strand): 5'-CCCAGGTGCATCTGTGGGATGGGCAGAGGCCGTGATGCTGACTGCCGTGTCCCTGTCTTG[C>G]AGCTTCCTCATCGTCCTGGTCTGCCTCATCTTCAGCGTGCTGTCCACCATCGAGCAGTAT-3'